The following is an entry in ClinVar:

ClinVar aggregate classification (germline): Uncertain significance. Review status: criteria provided, multiple submitters, no conflicts (2 of 4 stars). 4 submissions from 4 submitters: Uncertain significance (4). Last evaluated 2023-08-07.

Conditions:
Inborn genetic diseases. Identifiers: MedGen C0950123, MeSH D030342.
Progressive myoclonic epilepsy type 3. Also called: KCTD7-Related Progressive Myoclonic Epilepsy; EPILEPSY, PROGRESSIVE MYOCLONIC, 3, WITH OR WITHOUT INTRACELLULAR INCLUSIONS; CEROID LIPOFUSCINOSIS, NEURONAL, 14; EPILEPSY, PROGRESSIVE MYOCLONIC, 3, WITHOUT INTRACELLULAR INCLUSIONS. Identifiers: Orphanet 263516, MedGen C2673257, MONDO:0012721, OMIM 611726.

Allele frequency attached by ClinVar (database versions not stated): ExAC 0.00005; gnomAD exomes 0.00006 and 0.00017; gnomAD 0.00010 and 0.00011; TOPMed 0.00011; ESP Exome Variant Server 0.00015.
gnomAD v4.1: 290 of 1,613,824 alleles (0.018%); highest among the groups gnomAD compares: Non-Finnish European, 0.022%; no homozygotes.

Submissions (4):

GeneDx
Classification: Uncertain significance. Last evaluated: 2023-08-07. Review status: criteria provided, single submitter. Criteria: GeneDx Variant Classification Process June 2021. Collection method: clinical testing. Allele origin: germline. Affected: yes.
Comment: Not observed at significant frequency in large population cohorts (gnomAD); In silico analysis supports that this missense variant does not alter protein structure/function; Has not been previously published as pathogenic or benign to our knowledge

Labcorp Genetics (formerly Invitae), Labcorp
Classification: Uncertain significance for Progressive myoclonic epilepsy type 3. Last evaluated: 2022-08-16. Review status: criteria provided, single submitter. Criteria: Invitae Variant Classification Sherloc (09022015). Collection method: clinical testing. Allele origin: germline.
Comment: This sequence change replaces arginine, which is basic and polar, with cysteine, which is neutral and slightly polar, at codon 65 of the KCTD7 protein (p.Arg65Cys). This variant is present in population databases (rs200321023, gnomAD 0.01%). This variant has not been reported in the literature in individuals affected with KCTD7-related conditions. ClinVar contains an entry for this variant (Variation ID: 206011). Algorithms developed to predict the effect of missense changes on protein structure and function are either unavailable or do not agree on the potential impact of this missense change (SIFT: "Deleterious"; PolyPhen-2: "Benign"; Align-GVGD: "Class C25"). In summary, the available evidence is currently insufficient to determine the role of this variant in disease. Therefore, it has been classified as a Variant of Uncertain Significance.

Fulgent Genetics
Classification: Uncertain significance for Progressive myoclonic epilepsy type 3. Last evaluated: 2018-10-31. Review status: criteria provided, single submitter. Criteria: ACMG Guidelines, 2015. Collection method: clinical testing. Allele origin: unknown.

Ambry Genetics
Classification: Uncertain significance for Inborn genetic diseases. Last evaluated: 2016-09-07. Review status: criteria provided, single submitter. Criteria: Ambry Variant Classification Scheme 2023. Collection method: clinical testing. Allele origin: germline.
Comment: The p.R65C variant (also known as c.193C>T), located in coding exon 2 of the KCTD7 gene, results from a C to T substitution at nucleotide position 193. The arginine at codon 65 is replaced by cysteine, an amino acid with highly dissimilar properties. This variant was previously reported in the SNPDatabase as rs200321023. Based on data from the NHLBI Exome Sequencing Project (ESP), the T allele has an overall frequency of approximately 0.02% (2/13006) total alleles studied and 0.02% (2/8600) European American alleles. This amino acid position is highly conserved in available vertebrate species. In addition, the in silico prediction for this alteration is inconclusive. Since supporting evidence is limited at this time, the clinical significance of this variant remains unclear.

NM_153033.5(KCTD7):c.193C>T (p.Arg65Cys)

Gene: KCTD7 (potassium channel tetramerization domain containing 7; plus strand). Cytogenetic location: 7q11.21.
Variant type: single nucleotide variant.
Coding change: c.193C>T on transcript NM_153033.5 (MANE Select); coding-DNA position 193, C replaced by T.
Protein change: p.Arg65Cys; replaces arginine 65 with cysteine.
Molecular consequence: missense variant.
Genome position (GRCh38, 1-based): chr7:66,633,323, C>T. VCF-style: chr7-66633323-C-T. GRCh37 (hg19) VCF-style: chr7-66098310-C-T.
Other names: p.R65C:CGC>TGC; c.193C>T, p.Arg65Cys (NM_001167961.2); short protein forms R65C.
Identifiers: ClinVar variation 206011 (VCV000206011.18), dbSNP rs200321023, ClinGen allele CA315685.